The following is an entry in ClinVar:

NM_001378030.1(CCDC78):c.384G>T (p.Glu128Asp)

Gene: CCDC78 (coiled-coil domain containing 78; minus strand). Cytogenetic location: 16p13.3.
Variant type: single nucleotide variant.
Coding change: c.384G>T on transcript NM_001378030.1 (MANE Select); coding-DNA position 384, G replaced by T.
Protein change: p.Glu128Asp; replaces glutamic acid 128 with aspartic acid.
Molecular consequence: missense variant. On other transcripts: non-coding transcript variant (5), intron variant (1).
Genome position (GRCh38, 1-based): chr16:725,464, C>A on the plus strand (G>T on the coding strand, the complement: CCDC78 is on the minus strand). VCF-style: chr16-725464-C-A. GRCh37 (hg19) VCF-style: chr16-775464-C-A.
Other names: c.384G>T, p.Glu128Asp (NM_001031737.3, NM_001378031.1); c.-18-171G>T (NM_001378033.1); short protein forms E128D.
Identifiers: ClinVar variation 447008 (VCV000447008.19), dbSNP rs145274257, ClinGen allele CA7789632.

ClinVar aggregate classification (germline): Conflicting classifications of pathogenicity. Review status: criteria provided, conflicting classifications (1 of 4 stars). 5 submissions from 5 submitters: Uncertain significance (1); Benign (2); Likely benign (1). 1 of the submissions does not count toward it. Last evaluated 2026-01-11.

Conditions:
Inborn genetic diseases. Identifiers: MedGen C0950123, MeSH D030342.
Congenital myopathy with internal nuclei and atypical cores. Also called: Myopathy, centronuclear, 4. Identifiers: Orphanet 319160, MedGen C4707232, MONDO:0013890, OMIM 614807.
CCDC78-related disorder. Also called: CCDC78-related condition.

Allele frequency attached by ClinVar (database versions not stated): gnomAD exomes 0.00050; ExAC 0.00058; gnomAD 0.00159; TOPMed 0.00214; ESP Exome Variant Server 0.00231; 1000 Genomes Project 0.00300; 1000 Genomes Project 30x 0.00312.

Submissions (5):

Labcorp Genetics (formerly Invitae), Labcorp
Classification: Benign for Congenital myopathy with internal nuclei and atypical cores. Last evaluated: 2026-01-11. Review status: criteria provided, single submitter. Criteria: Invitae Variant Classification Sherloc (09022015). Collection method: clinical testing. Allele origin: germline.

Ambry Genetics
Classification: Uncertain significance for Inborn genetic diseases. Last evaluated: 2024-05-01. Review status: criteria provided, single submitter. Criteria: Ambry Variant Classification Scheme 2023. Collection method: clinical testing. Allele origin: germline.

Athena Diagnostics
Classification: Likely benign. Last evaluated: 2023-12-06. Review status: criteria provided, single submitter. Criteria: Athena Diagnostics Criteria. Collection method: clinical testing. Allele origin: unknown.

GeneDx
Classification: Benign. Last evaluated: 2020-10-28. Review status: criteria provided, single submitter. Criteria: GeneDx Variant Classification Process June 2021. Collection method: clinical testing. Allele origin: germline. Affected: yes.

PreventionGenetics, part of Exact Sciences
Classification: Likely benign for CCDC78-related condition. Last evaluated: 2019-05-22. Review status: no assertion criteria provided. Collection method: clinical testing. Allele origin: germline. Not counted in ClinVar's aggregate classification.
Comment: This variant is classified as likely benign based on ACMG/AMP sequence variant interpretation guidelines (Richards et al. 2015 PMID: 25741868, with internal and published modifications).